The following is an entry in ClinVar:

NM_014391.3(ANKRD1):c.907T>C (p.Phe303Leu)

Gene: ANKRD1 (ankyrin repeat domain 1; minus strand). Cytogenetic location: 10q23.31.
Variant type: single nucleotide variant.
Coding change: c.907T>C on transcript NM_014391.3 (MANE Select); coding-DNA position 907, T replaced by C.
Protein change: p.Phe303Leu; replaces phenylalanine 303 with leucine.
Molecular consequence: missense variant.
Genome position (GRCh38, 1-based): chr10:90,912,919, A>G on the plus strand (T>C on the coding strand, the complement: ANKRD1 is on the minus strand). VCF-style: chr10-90912919-A-G. GRCh37 (hg19) VCF-style: chr10-92672676-A-G.
Other names: c.907T>C (NM_014391.2); short protein forms F303L.
Identifiers: ClinVar variation 1385847 (VCV001385847.7), dbSNP rs377661125, ClinGen allele CA5598572.

ClinVar aggregate classification (germline): Conflicting classifications of pathogenicity. Review status: criteria provided, conflicting classifications (1 of 4 stars). 2 submissions from 2 submitters: Uncertain significance (1); Likely benign (1). Last evaluated 2023-10-30.

Conditions:
Cardiovascular phenotype. Identifiers: MedGen CN230736.
ANKRD1-related dilated cardiomyopathy. Identifiers: MedGen CN119551.

Allele frequency attached by ClinVar (database versions not stated): ExAC 0.00001; gnomAD 0.00001; gnomAD exomes 0.00001; TOPMed 0.00003; ESP Exome Variant Server 0.00008.

Submissions (2):

Ambry Genetics
Classification: Likely benign for Cardiovascular phenotype. Last evaluated: 2023-10-30. Review status: criteria provided, single submitter. Criteria: Ambry Variant Classification Scheme 2023. Collection method: clinical testing. Allele origin: germline.

Labcorp Genetics (formerly Invitae), Labcorp
Classification: Uncertain significance for ANKRD1-related dilated cardiomyopathy. Last evaluated: 2021-10-23. Review status: criteria provided, single submitter. Criteria: Invitae Variant Classification Sherloc (09022015). Collection method: clinical testing. Allele origin: germline.
Comment: In summary, the available evidence is currently insufficient to determine the role of this variant in disease. Therefore, it has been classified as a Variant of Uncertain Significance. Algorithms developed to predict the effect of missense changes on protein structure and function (SIFT, PolyPhen-2, Align-GVGD) all suggest that this variant is likely to be tolerated. This sequence change replaces phenylalanine with leucine at codon 303 of the ANKRD1 protein (p.Phe303Leu). The phenylalanine residue is highly conserved and there is a small physicochemical difference between phenylalanine and leucine. This variant is present in population databases (rs377661125, ExAC 0.001%). This variant has not been reported in the literature in individuals affected with ANKRD1-related conditions.